The following is an entry in ClinVar:

NM_170606.3(KMT2C):c.56C>G (p.Pro19Arg)

Gene: KMT2C (lysine methyltransferase 2C; minus strand). Cytogenetic location: 7q36.1.
Variant type: single nucleotide variant.
Coding change: c.56C>G on transcript NM_170606.3 (MANE Select); coding-DNA position 56, C replaced by G.
Protein change: p.Pro19Arg; replaces proline 19 with arginine.
Molecular consequence: missense variant.
Genome position (GRCh38, 1-based): chr7:152,435,731, G>C on the plus strand (C>G on the coding strand, the complement: KMT2C is on the minus strand). VCF-style: chr7-152435731-G-C. GRCh37 (hg19) VCF-style: chr7-152132816-G-C.
Other names: short protein forms P19R.
Identifiers: ClinVar variation 2637574 (VCV002637574.1), dbSNP rs1043931017, ClinGen allele CA370104492.

ClinVar aggregate classification (germline): Uncertain significance (1 of 4 stars; one submission).

Allele frequency attached by ClinVar (database versions not stated): gnomAD 0.00001; TOPMed 0.00003.
gnomAD v4.1: 7 of 1,530,030 alleles (0.00046%); highest among the groups gnomAD compares: Admixed American, 0.0061%; no homozygotes.

Submission:

Women's Health and Genetics/Laboratory Corporation of America, LabCorp
Classification: Uncertain significance. Last evaluated: 2023-10-30. Review status: criteria provided, single submitter. Criteria: LabCorp Variant Classification Summary - May 2015. Collection method: clinical testing. Allele origin: germline.
Comment: Variant summary: KMT2C c.56C>G (p.Pro19Arg) results in a non-conservative amino acid change in the encoded protein sequence. Three of five in-silico tools predict a benign effect of the variant on protein function. The variant allele was found at a frequency of 6.9e-06 in 144488 control chromosomes. The available data on variant occurrences in the general population are insufficient to allow any conclusion about variant significance. To our knowledge, no occurrence of c.56C>G in individuals affected with Kleefstra Syndrome 2 and no experimental evidence demonstrating its impact on protein function have been reported. No submitters have cited clinical-significance assessments for this variant to ClinVar after 2014. Based on the evidence outlined above, the variant was classified as uncertain significance.